The following is an entry in ClinVar:

ClinVar aggregate classification (germline): Likely benign (1 of 4 stars; one submission).

Allele frequency attached by ClinVar (database versions not stated): gnomAD exomes below 0.00001; TOPMed below 0.00001.
gnomAD v4.1: 5 of 1,557,568 alleles (0.00032%); highest among the groups gnomAD compares: Middle Eastern, 0.017%; no homozygotes.

Submission:

CeGaT Center for Human Genetics Tuebingen
Classification: Likely benign. Last evaluated: 2023-01-01. Review status: criteria provided, single submitter. Criteria: CeGaT Center For Human Genetics Tuebingen Variant Classification Criteria Version 2. Collection method: clinical testing. Allele origin: germline. Affected: yes. Observed: 1 variant allele.
Comment: EHBP1L1: BP4

NM_001099409.3(EHBP1L1):c.974C>T (p.Pro325Leu)

Gene: EHBP1L1 (EH domain binding protein 1 like 1; plus strand). Cytogenetic location: 11q13.1.
Variant type: single nucleotide variant.
Coding change: c.974C>T on transcript NM_001099409.3 (MANE Select); coding-DNA position 974, C replaced by T.
Protein change: p.Pro325Leu; replaces proline 325 with leucine.
Molecular consequence: missense variant. On other transcripts: intron variant (1).
Genome position (GRCh38, 1-based): chr11:65,581,646, C>T. VCF-style: chr11-65581646-C-T. GRCh37 (hg19) VCF-style: chr11-65349117-C-T.
Other names: c.819+320C>T (NM_001351087.2); short protein forms P325L.
Identifiers: ClinVar variation 2641962 (VCV002641962.24), dbSNP rs763368746, ClinGen allele CA6101965.